The following is an entry in ClinVar:

NM_005633.4(SOS1):c.-47C>G

Genes: SOS1 (SOS Ras/Rac guanine nucleotide exchange factor 1; minus strand), LOC129933535 (ATAC-STARR-seq lymphoblastoid silent region 11384; plus strand). Cytogenetic location: 2p22.1.
Variant type: single nucleotide variant.
Coding change: c.-47C>G on transcript NM_005633.4 (MANE Select); 47 bases upstream of the start codon, C replaced by G.
Molecular consequence: 5 prime UTR variant. On other transcripts: intron variant (1).
Genome position (GRCh38, 1-based): chr2:39,120,469, G>C on the plus strand (C>G on the coding strand, the complement: SOS1 is on the minus strand). VCF-style: chr2-39120469-G-C. GRCh37 (hg19) VCF-style: chr2-39347610-G-C.
Other names: c.-47C>G (NM_001382395.1); c.66+4195C>G (NM_001382394.1).
Identifiers: ClinVar variation 139231 (VCV000139231.1), dbSNP rs201218035, ClinGen allele CA293654.

ClinVar aggregate classification (germline): Benign (1 of 4 stars; one submission).

Allele frequency attached by ClinVar (database versions not stated): TOPMed 0.00220; gnomAD 0.00223 and 0.00233; 1000 Genomes Project 0.00579; 1000 Genomes Project 30x 0.00625.
gnomAD v4.1: 539 of 1,493,760 alleles (0.036%); highest among the groups gnomAD compares: African/African-American, 0.65%; 2 homozygotes.

Submission:

GeneDx
Classification: Benign. Last evaluated: 2014-03-04. Review status: criteria provided, single submitter. Criteria: GeneDx Variant Classification (06012015). Collection method: clinical testing. Allele origin: germline. Affected: yes.
Comment: This variant is considered likely benign or benign based on one or more of the following criteria: it is a conservative change, it occurs at a poorly conserved position in the protein, it is predicted to be benign by multiple in silico algorithms, and/or has population frequency not consistent with disease.